The following is an entry in ClinVar:

NM_002691.4(POLD1):c.1904A>T (p.Asp635Val)

Gene: POLD1 (DNA polymerase delta 1, catalytic subunit; plus strand). Cytogenetic location: 19q13.33.
Variant type: single nucleotide variant.
Coding change: c.1904A>T on transcript NM_002691.4 (MANE Select); coding-DNA position 1904, A replaced by T.
Protein change: p.Asp635Val; replaces aspartic acid 635 with valine.
Molecular consequence: missense variant. On other transcripts: non-coding transcript variant (1).
Genome position (GRCh38, 1-based): chr19:50,409,133, A>T. VCF-style: chr19-50409133-A-T. GRCh37 (hg19) VCF-style: chr19-50912390-A-T.
Other names: c.1904A>T (NM_002691.2); c.1904A>T, p.Asp635Val (NM_001256849.1); c.1982A>T, p.Asp661Val (NM_001308632.1); short protein forms D661V, D635V.
Identifiers: ClinVar variation 834919 (VCV000834919.10), dbSNP rs201318456, ClinGen allele CA309602034.

ClinVar aggregate classification (germline): Uncertain significance. Review status: criteria provided, multiple submitters, no conflicts (2 of 4 stars). 4 submissions from 4 submitters: Uncertain significance (4). Last evaluated 2025-10-17.

Conditions:
Hereditary cancer-predisposing syndrome. Also called: Tumor predisposition; Hereditary Cancer Syndrome; Hereditary neoplastic syndrome; Neoplastic Syndromes, Hereditary. Identifiers: Orphanet 140162, MedGen C0027672, MeSH D009386, MONDO:0015356.
POLD1-related polyposis and colorectal cancer syndrome (CRCS10). Also called: Colorectal cancer 10; COLORECTAL CANCER, SUSCEPTIBILITY TO, ON CHROMOSOME 19q; Colorectal cancer, susceptibility to, 10. Identifiers: Orphanet 220460, MedGen C2675481, MONDO:0012953, OMIM 612591.

Allele frequency attached by ClinVar (database versions not stated): gnomAD exomes below 0.00001; gnomAD 0.00001; 1000 Genomes Project 30x 0.00016; 1000 Genomes Project 0.00020.
gnomAD v4.1: 2 of 1,610,550 alleles (0.00012%); highest among the groups gnomAD compares: East Asian, 0.0022%; no homozygotes.

Submissions (4):

Ambry Genetics
Classification: Uncertain significance for Hereditary cancer-predisposing syndrome. Last evaluated: 2025-10-17. Review status: criteria provided, single submitter. Criteria: Ambry Variant Classification Scheme 2023. Collection method: clinical testing. Allele origin: germline.
Comment: The p.D635V variant (also known as c.1904A>T), located in coding exon 15 of the POLD1 gene, results from an A to T substitution at nucleotide position 1904. The aspartic acid at codon 635 is replaced by valine, an amino acid with highly dissimilar properties. This amino acid position is not well conserved in available vertebrate species. In addition, this alteration is predicted to be tolerated by in silico analysis. Based on the available evidence, the clinical significance of this variant remains unclear.

Labcorp Genetics (formerly Invitae), Labcorp
Classification: Uncertain significance for POLD1-related polyposis and colorectal cancer syndrome. Last evaluated: 2025-10-01. Review status: criteria provided, single submitter. Criteria: Invitae Variant Classification Sherloc (09022015). Collection method: clinical testing. Allele origin: germline.
Comment: This sequence change replaces aspartic acid, which is acidic and polar, with valine, which is neutral and non-polar, at codon 635 of the POLD1 protein (p.Asp635Val). This variant is not present in population databases (gnomAD no frequency). This variant has not been reported in the literature in individuals affected with POLD1-related conditions. ClinVar contains an entry for this variant (Variation ID: 834919). Invitae Evidence Modeling of protein sequence and biophysical properties (such as structural, functional, and spatial information, amino acid conservation, physicochemical variation, residue mobility, and thermodynamic stability) indicates that this missense variant is not expected to disrupt POLD1 protein function with a negative predictive value of 80%. In summary, the available evidence is currently insufficient to determine the role of this variant in disease. Therefore, it has been classified as a Variant of Uncertain Significance.

GeneDx
Classification: Uncertain significance. Last evaluated: 2022-10-18. Review status: criteria provided, single submitter. Criteria: GeneDx Variant Classification Process June 2021. Collection method: clinical testing. Allele origin: germline. Affected: yes.
Comment: Not observed at significant frequency in large population cohorts (gnomAD); In silico analysis supports that this missense variant has a deleterious effect on protein structure/function; In silico analysis supports a deleterious effect on splicing; Has not been previously published as pathogenic or benign to our knowledge; This variant is associated with the following publications: (PMID: 20951805)

Sema4
Classification: Uncertain significance for Hereditary cancer-predisposing syndrome. Last evaluated: 2021-05-18. Review status: criteria provided, single submitter. Criteria: Sema4 Curation Guidelines. Collection method: curation. Allele origin: germline.
Comment: The POLD1 c.1904A>T (p.D635V) variant has not been reported in the literature to our knowledge. It was observed in 1/18390 chromosomes of the East Asian subpopulation in the large and broad cohorts of the Genome Aggregation Database (PMID: 32461654) and has been reported in ClinVar (Variation ID: 834919). In silico tools suggest the impact of the variant on protein function is inconclusive, though these predictions have not been confirmed by functional studies. The evidence is insufficient to meet ACMG/AMP criteria for classifying the variant as benign or pathogenic. Thus, the clinical significance of this variant is currently uncertain.